The following is an entry in ClinVar:

ClinVar aggregate classification (germline): Uncertain significance. Review status: criteria provided, multiple submitters, no conflicts (2 of 4 stars). 5 submissions from 5 submitters: Uncertain significance (3). 2 of the submissions do not count toward it. Last evaluated 2024-10-16.

Conditions:
Hypertrophic cardiomyopathy 4. Also called: Familial hypertrophic cardiomyopathy 4. Identifiers: MedGen C1861862, MONDO:0007268, OMIM 115197.
Hypertrophic cardiomyopathy. Also called: HYPERTROPHIC MYOCARDIOPATHY. Identifiers: Orphanet 217569, MedGen C0007194, MeSH D002312, MONDO:0005045, HP:0001639.

Allele frequency attached by ClinVar (database versions not stated): gnomAD exomes below 0.00001.

Submissions (5):

Labcorp Genetics (formerly Invitae), Labcorp
Classification: Uncertain significance for Hypertrophic cardiomyopathy. Last evaluated: 2024-10-16. Review status: criteria provided, single submitter. Criteria: Invitae Variant Classification Sherloc (09022015). Collection method: clinical testing. Allele origin: germline.
Comment: This sequence change replaces glycine, which is neutral and non-polar, with arginine, which is basic and polar, at codon 1234 of the MYBPC3 protein (p.Gly1234Arg). This variant is not present in population databases (gnomAD no frequency). This missense change has been observed in individual(s) with hypertrophic cardiomyopathy (PMID: 28790153; internal data). ClinVar contains an entry for this variant (Variation ID: 810753). An algorithm developed to predict the effect of missense changes on protein structure and function (PolyPhen-2) suggests that this variant is likely to be disruptive. In summary, the available evidence is currently insufficient to determine the role of this variant in disease. Therefore, it has been classified as a Variant of Uncertain Significance.

All of Us Research Program, National Institutes of Health
Classification: Uncertain significance for Hypertrophic cardiomyopathy. Last evaluated: 2024-08-30. Review status: criteria provided, single submitter. Criteria: ACMG Guidelines, 2015. Collection method: clinical testing. Allele origin: germline. Inheritance: Autosomal dominant inheritance. Observed: 1 variant allele, 1 heterozygote.
Comment: This study involves interpretation of variants in research participants for the purpose of population health screening. Participant phenotype was not available at the time of variant classification. Additional details can be found in publication PMID: 35346344, PMCID: PMC8962531

Agnes Ginges Centre for Molecular Cardiology, Centenary Institute
Classification: Uncertain significance for Hypertrophic cardiomyopathy 4. Last evaluated: 2018-10-12. Review status: criteria provided, single submitter. Criteria: ACMG Guidelines, 2015. Collection method: research. Allele origin: germline. Inheritance: Autosomal dominant inheritance. Affected: yes.
Comment: The MYBPC3 Gly1234Arg variant is novel, and is absent from the Genome Aggregation Database. Computational tools SIFT, MutationTaster, and PolyPhen-2 predict this variant to have a deleterious effect. In summary, based on the current literature, in silico tools and our limited familial data, we classify MYBPC3 Gly1234Arg as a variant of "uncertain significance".

Clinical Genetics, Academic Medical Center
Classification: Uncertain significance. Review status: no assertion criteria provided. Collection method: clinical testing. Allele origin: germline. Affected: yes. Study: VKGL Data-share Consensus. Not counted in ClinVar's aggregate classification.

Joint Genome Diagnostic Labs from Nijmegen and Maastricht, Radboudumc and MUMC+
Classification: Uncertain significance. Review status: no assertion criteria provided. Collection method: clinical testing. Allele origin: germline. Affected: yes. Study: VKGL Data-share Consensus. Not counted in ClinVar's aggregate classification.

Literature cited by the submitters: PubMed 28790153 (cited by Labcorp Genetics (formerly Invitae), Labcorp); PubMed 28408708 (cited by Agnes Ginges Centre for Molecular Cardiology, Centenary Institute).

NM_000256.3(MYBPC3):c.3700G>A (p.Gly1234Arg)

Gene: MYBPC3 (myosin binding protein C3; minus strand). Cytogenetic location: 11p11.2.
Variant type: single nucleotide variant.
Coding change: c.3700G>A on transcript NM_000256.3 (MANE Select); coding-DNA position 3700, G replaced by A.
Protein change: p.Gly1234Arg; replaces glycine 1234 with arginine.
Molecular consequence: missense variant.
Genome position (GRCh38, 1-based): chr11:47,332,186, C>T on the plus strand (G>A on the coding strand, the complement: MYBPC3 is on the minus strand). VCF-style: chr11-47332186-C-T. GRCh37 (hg19) VCF-style: chr11-47353737-C-T.
Other names: short protein forms G1234R.
Identifiers: ClinVar variation 810753 (VCV000810753.8), dbSNP rs1595840788, ClinGen allele CA380311293.